The following is an entry in ClinVar:

ClinVar aggregate classification (germline): Uncertain significance (1 of 4 stars; one submission).

Submission:

Labcorp Genetics (formerly Invitae), Labcorp
Classification: Uncertain significance. Last evaluated: 2021-06-28. Review status: criteria provided, single submitter. Criteria: Invitae Variant Classification Sherloc (09022015). Collection method: clinical testing. Allele origin: germline.
Comment: This sequence change replaces proline with alanine at codon 1081 of the COL4A5 protein (p.Pro1081Ala). The proline residue is highly conserved and there is a small physicochemical difference between proline and alanine. This variant is not present in population databases (ExAC no frequency). This variant has not been reported in the literature in individuals with COL4A5-related conditions. Advanced modeling of protein sequence and biophysical properties (such as structural, functional, and spatial information, amino acid conservation, physicochemical variation, residue mobility, and thermodynamic stability) performed at Invitae indicates that this missense variant is not expected to disrupt COL4A5 protein function. In summary, the available evidence is currently insufficient to determine the role of this variant in disease. Therefore, it has been classified as a Variant of Uncertain Significance.

NM_033380.3(COL4A5):c.3241C>G (p.Pro1081Ala)

Gene: COL4A5 (collagen type IV alpha 5 chain; plus strand). Cytogenetic location: Xq22.3.
Variant type: single nucleotide variant.
Coding change: c.3241C>G on transcript NM_033380.3 (MANE Select); coding-DNA position 3241, C replaced by G.
Protein change: p.Pro1081Ala; replaces proline 1081 with alanine.
Molecular consequence: missense variant.
Genome position (GRCh38, 1-based): chrX:108,626,344, C>G. VCF-style: chrX-108626344-C-G. GRCh37 (hg19) VCF-style: chrX-107869574-C-G.
Other names: c.3241C>G, p.Pro1081Ala (NM_000495.5); short protein forms P1081A.
Identifiers: ClinVar variation 1957524 (VCV001957524.2), dbSNP rs2524423903, ClinGen allele CA413855109.